The following is an entry in ClinVar:

NM_052844.4(DYNC2I2):c.1449C>A (p.Ser483Arg)

Gene: DYNC2I2 (dynein 2 intermediate chain 2; minus strand). Cytogenetic location: 9q34.11.
Variant type: single nucleotide variant.
Coding change: c.1449C>A on transcript NM_052844.4 (MANE Select); coding-DNA position 1449, C replaced by A.
Protein change: p.Ser483Arg; replaces serine 483 with arginine.
Molecular consequence: missense variant.
Genome position (GRCh38, 1-based): chr9:128,633,906, G>T on the plus strand (C>A on the coding strand, the complement: DYNC2I2 is on the minus strand). VCF-style: chr9-128633906-G-T. GRCh37 (hg19) VCF-style: chr9-131396185-G-T.
Other names: short protein forms S483R.
Identifiers: ClinVar variation 1681172 (VCV001681172.3), dbSNP rs1445564979, ClinGen allele CA375107366.
Genomic context (GRCh38, chr9:128,633,906, plus strand): 5'-GGCATCGCCCGCAGCCAAGAGCTGAGTCTGCTGGCTGTTGAACTCCAGACAGTAGACAGG[G>T]CTTTCATCCTGGGTTTGCTTGATCAAAACTGTGGGTTTCTGGGAGCTTTTCTGGAGATCA-3'
Protein context (NP_443076.2, residues 473-493): TVLIKQTQDE[Ser483Arg]PVYCLEFNSQ

ClinVar aggregate classification (germline): Uncertain significance (1 of 4 stars; one submission).

Conditions:
Short-rib thoracic dysplasia 11 with or without polydactyly (SRTD11). Also called: SHORT-RIB THORACIC DYSPLASIA 11 WITHOUT POLYDACTYLY. Identifiers: Orphanet 474, Orphanet 93271, MedGen C3810200, MONDO:0014287, OMIM 615633.

Allele frequency attached by ClinVar (database versions not stated): gnomAD exomes below 0.00001; TOPMed below 0.00001.
gnomAD v4.1: 4 of 1,613,370 alleles (0.00025%); highest among the groups gnomAD compares: Admixed American, 0.0017%; no homozygotes.

Submission:

Labcorp Genetics (formerly Invitae), Labcorp
Classification: Uncertain significance for Short-rib thoracic dysplasia 11 with or without polydactyly. Last evaluated: 2021-11-04. Review status: criteria provided, single submitter. Criteria: Invitae Variant Classification Sherloc (09022015). Collection method: clinical testing. Allele origin: germline.
Comment: This sequence change replaces serine, which is neutral and polar, with arginine, which is basic and polar, at codon 483 of the WDR34 protein (p.Ser483Arg). This variant is present in population databases (no rsID available, gnomAD 0.003%). This variant has not been reported in the literature in individuals affected with WDR34-related conditions. Algorithms developed to predict the effect of missense changes on protein structure and function (SIFT, PolyPhen-2, Align-GVGD) all suggest that this variant is likely to be tolerated. In summary, the available evidence is currently insufficient to determine the role of this variant in disease. Therefore, it has been classified as a Variant of Uncertain Significance.